The following is an entry in ClinVar:

ClinVar aggregate classification (germline): Uncertain significance (1 of 4 stars; one submission).

Conditions:
Hypertrophic cardiomyopathy. Also called: HYPERTROPHIC MYOCARDIOPATHY. Identifiers: Orphanet 217569, MedGen C0007194, MeSH D002312, MONDO:0005045, HP:0001639.

Submission:

Labcorp Genetics (formerly Invitae), Labcorp
Classification: Uncertain significance for Hypertrophic cardiomyopathy. Last evaluated: 2023-04-14. Review status: criteria provided, single submitter. Criteria: Invitae Variant Classification Sherloc (09022015). Collection method: clinical testing. Allele origin: germline.
Comment: This sequence change replaces proline, which is neutral and non-polar, with threonine, which is neutral and polar, at codon 828 of the MYH7 protein (p.Pro828Thr). In summary, the available evidence is currently insufficient to determine the role of this variant in disease. Therefore, it has been classified as a Variant of Uncertain Significance. Advanced modeling of protein sequence and biophysical properties (such as structural, functional, and spatial information, amino acid conservation, physicochemical variation, residue mobility, and thermodynamic stability) performed at Invitae indicates that this missense variant is expected to disrupt MYH7 protein function. ClinVar contains an entry for this variant (Variation ID: 651623). This variant has not been reported in the literature in individuals affected with MYH7-related conditions. This variant is not present in population databases (gnomAD no frequency).

NM_000257.4(MYH7):c.2482C>A (p.Pro828Thr)

Genes: MYH7 (myosin heavy chain 7; minus strand), LOC126861898 (BRD4-independent group 4 enhancer GRCh37_chr14:23893609-23894808; plus strand). Cytogenetic location: 14q11.2.
Variant type: single nucleotide variant.
Coding change: c.2482C>A on transcript NM_000257.4 (MANE Select); coding-DNA position 2482, C replaced by A.
Protein change: p.Pro828Thr; replaces proline 828 with threonine.
Molecular consequence: missense variant.
Genome position (GRCh38, 1-based): chr14:23,424,966, G>T on the plus strand (C>A on the coding strand, the complement: MYH7 is on the minus strand). VCF-style: chr14-23424966-G-T. GRCh37 (hg19) VCF-style: chr14-23894175-G-T.
Other names: short protein forms P828T.
Identifiers: ClinVar variation 651623 (VCV000651623.9), dbSNP rs45526433, ClinGen allele CA389048323.